The following is an entry in ClinVar:

NM_001244008.2(KIF1A):c.1680C>T (p.Ser560=)

Gene: KIF1A (kinesin family member 1A; minus strand). Cytogenetic location: 2q37.3.
Variant type: single nucleotide variant.
Coding change: c.1680C>T on transcript NM_001244008.2 (MANE Select); coding-DNA position 1680, C replaced by T.
Protein change: p.Ser560=; no amino-acid change (serine 560 retained).
Molecular consequence: synonymous variant.
Genome position (GRCh38, 1-based): chr2:240,766,919, G>A on the plus strand (C>T on the coding strand, the complement: KIF1A is on the minus strand). VCF-style: chr2-240766919-G-A. GRCh37 (hg19) VCF-style: chr2-241706336-G-A.
Other names: c.1680C>T, p.Ser560= (NM_001320705.2, NM_001330289.2, NM_001379638.1); c.1755C>T, p.Ser585= (NM_001330290.2, NM_001379631.1, NM_001379634.1 and 2 more transcripts); c.1653C>T, p.Ser551= (NM_001379632.1, NM_001379633.1, NM_001379636.1 and 10 more transcripts); c.1728C>T, p.Ser576= (NM_001379637.1, NM_001379648.1); c.1680C>T (NM_001244008.1).
Identifiers: ClinVar variation 464215 (VCV000464215.15), dbSNP rs371260268, ClinGen allele CA2208318.

ClinVar aggregate classification (germline): Likely benign. Review status: criteria provided, multiple submitters, no conflicts (2 of 4 stars). 3 submissions from 3 submitters: Likely benign (2). 1 of the submissions does not count toward it. Last evaluated 2025-09-16.

Conditions:
KIF1A-related disorder. Also called: KIF1A-related disorders; KIF1A-related condition.
Neuropathy, hereditary sensory, type 2C. Also called: Hereditary sensory and autonomic neuropathy type IIC; KIF1A-Related HSAN2 (HSAN2C). Identifiers: Orphanet 970, MedGen C3280168, MONDO:0013634, OMIM 614213.
Intellectual disability, autosomal dominant 9 (NESCAVS). Also called: NESCAV SYNDROME; KIF1A-Related Neurodevelopmental Disorder. Identifiers: Orphanet 662367, MedGen C5393830, MONDO:0013656, OMIM 614255.
Hereditary spastic paraplegia 30. Identifiers: Orphanet 101010, MedGen C5235139, MONDO:0012476.
Inborn genetic diseases. Identifiers: MedGen C0950123, MeSH D030342.

Allele frequency attached by ClinVar (database versions not stated): gnomAD exomes 0.00003; ExAC 0.00005; gnomAD 0.00005; TOPMed 0.00005; ESP Exome Variant Server 0.00016.
gnomAD v4.1: 63 of 1,606,026 alleles (0.0039%); highest among the groups gnomAD compares: Non-Finnish European, 0.0049%; no homozygotes.

Submissions (3):

Labcorp Genetics (formerly Invitae), Labcorp
Classification: Likely benign for Hereditary spastic paraplegia 30; Neuropathy, hereditary sensory, type 2C; Intellectual disability, autosomal dominant 9. Last evaluated: 2025-09-16. Review status: criteria provided, single submitter. Criteria: Invitae Variant Classification Sherloc (09022015). Collection method: clinical testing. Allele origin: germline.

Ambry Genetics
Classification: Likely benign for Inborn genetic diseases. Last evaluated: 2019-07-11. Review status: criteria provided, single submitter. Criteria: Ambry Variant Classification Scheme 2023. Collection method: clinical testing. Allele origin: germline.

PreventionGenetics, part of Exact Sciences
Classification: Likely benign for KIF1A-related condition. Last evaluated: 2023-02-09. Review status: no assertion criteria provided. Collection method: clinical testing. Allele origin: germline. Not counted in ClinVar's aggregate classification.
Comment: This variant is classified as likely benign based on ACMG/AMP sequence variant interpretation guidelines (Richards et al. 2015 PMID: 25741868, with internal and published modifications).